The following is an entry in ClinVar:

GRCh38/hg38 22q13.2-13.33(chr22:42653747-50739836)x3

Genes: MAPK11 (mitogen-activated protein kinase 11; minus strand), MAPK12 (mitogen-activated protein kinase 12; minus strand), MAPK8IP2 (mitogen-activated protein kinase 8 interacting protein 2; plus strand), MCAT (malonyl-CoA-acyl carrier protein transacylase; minus strand), MIOX (myo-inositol oxygenase; plus strand) and 493 more. Cytogenetic location: 22q13.2-13.33.
Variant type: copy number gain.
Change: copy number 3 (three copies instead of two) of chr22:42,653,747-50,739,836 (8.09 Mb, GRCh38 coordinates, 1-based), cytogenetic band 22q13.2-13.33.
Identifiers: ClinVar variation 57945 (VCV000057945.2).

ClinVar aggregate classification (germline): Pathogenic (1 of 4 stars; one submission).

Submission:

ISCA Site 6
Classification: Pathogenic. Last evaluated: 2011-08-12. Review status: criteria provided, single submitter. Criteria: Kaminsky et al. (Genet Med. 2011). Collection method: clinical testing. Allele origin: unknown. Affected: yes. Observed: 1 variant allele.
Comment: Copy number variation identified through the course of routine clinical cytogenomic testing in postnatal populations. Clinical assertions have been curated as described in Kaminsky et al. 2011.